The following is an entry in ClinVar:

ClinVar aggregate classification (germline): Conflicting classifications of pathogenicity. Review status: criteria provided, conflicting classifications (1 of 4 stars). 2 submissions from 2 submitters: Uncertain significance (1); Likely benign (1). Last evaluated 2024-10-26.

Allele frequency attached by ClinVar (database versions not stated): 1000 Genomes Project 30x 0.00047; TOPMed 0.00113; gnomAD 0.00127; ESP Exome Variant Server 0.00142; gnomAD exomes 0.00159; ExAC 0.00206.
gnomAD v4.1: 2,359 of 1,520,494 alleles (0.16%); highest among the groups gnomAD compares: Non-Finnish European, 0.18%; 21 homozygotes.

Submissions (2):

Ambry Genetics
Classification: Uncertain significance. Last evaluated: 2024-10-26. Review status: criteria provided, single submitter. Criteria: Ambry Variant Classification Scheme 2023. Collection method: clinical testing. Allele origin: germline.

CeGaT Center for Human Genetics Tuebingen
Classification: Likely benign. Last evaluated: 2022-11-01. Review status: criteria provided, single submitter. Criteria: CeGaT Center For Human Genetics Tuebingen Variant Classification Criteria Version 2. Collection method: clinical testing. Allele origin: germline. Affected: yes. Observed: 1 variant allele.
Comment: BMP8B: BS2; OXCT2: BS2

NM_001720.5(BMP8B):c.673+3659A>G

Genes: BMP8B (bone morphogenetic protein 8b; minus strand), OXCT2 (3-oxoacid CoA-transferase 2; minus strand). Cytogenetic location: 1p34.2.
Variant type: single nucleotide variant.
Coding change: c.673+3659A>G on transcript NM_001720.5 (MANE Select); 3659 bases into the intron after coding-DNA position 673, A replaced by G.
Molecular consequence: intron variant. On other transcripts: missense variant (1).
Genome position (GRCh38, 1-based): chr1:39,770,649, T>C on the plus strand (A>G on the coding strand, the complement: BMP8B is on the minus strand). VCF-style: chr1-39770649-T-C. GRCh37 (hg19) VCF-style: chr1-40236321-T-C.
Other names: c.607A>G (NM_022120.1); c.607A>G, p.Ile203Val (NM_022120.2); short protein forms I203V.
Identifiers: ClinVar variation 2638717 (VCV002638717.25), dbSNP rs139638488, ClinGen allele CA787658.